The following is an entry in ClinVar:

ClinVar aggregate classification (germline): Uncertain significance (1 of 4 stars; one submission).

Conditions:
Arrhythmogenic right ventricular dysplasia 11. Also called: Arrhythmogenic Right Ventricular Dysplasia/Cardiomyopathy11; ARRHYTHMOGENIC RIGHT VENTRICULAR DYSPLASIA, FAMILIAL, 11; Arrhythmogenic right ventricular dysplasia 11 with mild palmoplantar keratoderma and woolly hair. Identifiers: MedGen C1864850, MONDO:0012506, OMIM 610476.

Submission:

Labcorp Genetics (formerly Invitae), Labcorp
Classification: Uncertain significance for Arrhythmogenic right ventricular dysplasia 11. Last evaluated: 2022-10-07. Review status: criteria provided, single submitter. Criteria: Invitae Variant Classification Sherloc (09022015). Collection method: clinical testing. Allele origin: germline.
Comment: Advanced modeling of protein sequence and biophysical properties (such as structural, functional, and spatial information, amino acid conservation, physicochemical variation, residue mobility, and thermodynamic stability) performed at Invitae indicates that this missense variant is expected to disrupt DSC2 protein function. In summary, the available evidence is currently insufficient to determine the role of this variant in disease. Therefore, it has been classified as a Variant of Uncertain Significance. This variant has not been reported in the literature in individuals affected with DSC2-related conditions. This variant is not present in population databases (gnomAD no frequency). This sequence change replaces threonine, which is neutral and polar, with serine, which is neutral and polar, at codon 168 of the DSC2 protein (p.Thr168Ser).

NM_024422.6(DSC2):c.503C>G (p.Thr168Ser)

Gene: DSC2 (desmocollin 2; minus strand). Cytogenetic location: 18q12.1.
Variant type: single nucleotide variant.
Coding change: c.503C>G on transcript NM_024422.6 (MANE Select); coding-DNA position 503, C replaced by G.
Protein change: p.Thr168Ser; replaces threonine 168 with serine.
Molecular consequence: missense variant.
Genome position (GRCh38, 1-based): chr18:31,089,566, G>C on the plus strand (C>G on the coding strand, the complement: DSC2 is on the minus strand). VCF-style: chr18-31089566-G-C. GRCh37 (hg19) VCF-style: chr18-28669529-G-C.
Other names: c.74C>G, p.Thr25Ser (NM_001406506.1, NM_001406507.1); c.503C>G, p.Thr168Ser (NM_004949.5); short protein forms T168S, T25S.
Identifiers: ClinVar variation 1721092 (VCV001721092.5), dbSNP rs1257095131, ClinGen allele CA402113767.